The following is an entry in ClinVar:

NM_000540.3(RYR1):c.12499G>T (p.Glu4167Ter)

Gene: RYR1 (ryanodine receptor 1; plus strand). Cytogenetic location: 19q13.2.
Variant type: single nucleotide variant.
Coding change: c.12499G>T on transcript NM_000540.3 (MANE Select); coding-DNA position 12499, G replaced by T.
Protein change: p.Glu4167Ter; replaces glutamic acid 4167 with a stop codon.
Molecular consequence: nonsense.
Genome position (GRCh38, 1-based): chr19:38,561,329, G>T. VCF-style: chr19-38561329-G-T. GRCh37 (hg19) VCF-style: chr19-39051969-G-T.
Other names: c.12484G>T, p.Glu4162Ter (NM_001042723.2); short protein forms E4167*, E4162*.
Identifiers: ClinVar variation 199203 (VCV000199203.10), dbSNP rs772494345, ClinGen allele CA023986.

ClinVar aggregate classification (germline): Pathogenic/Likely pathogenic. Review status: criteria provided, multiple submitters, no conflicts (2 of 4 stars). 4 submissions from 4 submitters: Pathogenic (2); Likely pathogenic (2). Last evaluated 2025-08-31.

Conditions:
Congenital multicore myopathy with external ophthalmoplegia (CMYO1B). Also called: MULTICORE MYOPATHY; MULTIMINICORE DISEASE WITH EXTERNAL OPHTHALMOPLEGIA; Congenital myopathy 1B, autosomal recessive; Minicore myopathy; Minicore myopathy with external ophthalmoplegia. Identifiers: Orphanet 598, Orphanet 98905, MedGen C1850674, MONDO:0009712, OMIM 255320, HP:0003789.
Central core myopathy (CMYO1A). Also called: CONGENITAL MYOPATHY 1A, AUTOSOMAL DOMINANT, WITH SUSCEPTIBILITY TO MALIGNANT HYPERTHERMIA; Central core disease; Myopathy, central fibrillar. Identifiers: Orphanet 597, MedGen C5830701, MONDO:0007294, OMIM 117000.
Malignant hyperthermia, susceptibility to, 1 (MHS1). Also called: RYR1-Related Malignant Hyperthermia Susceptibility; Malignant hyperthermia suceptibility 1; Anesthesia related hyperthermia; Malignant hyperpyrexia; Fulminating hyperpyrexia; Pharmacogenic myopathy. Identifiers: Orphanet 423, MedGen C2930980, MONDO:0007783, OMIM 145600.
Congenital myopathy with fiber type disproportion. Also called: Congenital fiber-type disproportion; Congenital fiber-type disproportion myopathy. Identifiers: Orphanet 2020, MedGen C0546264, MONDO:0009711. Inheritance: all.
King Denborough syndrome (KDS). Identifiers: MedGen C1840365, MONDO:0020485, OMIM 619542.
RYR1-related disorder. Also called: RYR1-related disorders; RYR1-related condition. Identifiers: MedGen CN239331.

Allele frequency attached by ClinVar (database versions not stated): ExAC 0.00001.
gnomAD v4.1: 3 of 1,614,032 alleles (0.00019%); highest among the groups gnomAD compares: Non-Finnish European, 0.00025%; no homozygotes.

Submissions (4):

Labcorp Genetics (formerly Invitae), Labcorp
Classification: Pathogenic for RYR1-related disorder. Last evaluated: 2025-08-31. Review status: criteria provided, single submitter. Criteria: Invitae Variant Classification Sherloc (09022015). Collection method: clinical testing. Allele origin: germline.
Comment: This sequence change creates a premature translational stop signal (p.Glu4167*) in the RYR1 gene. It is expected to result in an absent or disrupted protein product. Loss-of-function variants in RYR1 are known to be pathogenic (PMID: 23919265, 25960145, 28818389, 30611313). The frequency data for this variant in the population databases is considered unreliable, as metrics indicate poor data quality at this position in the gnomAD database. This premature translational stop signal has been observed in individual(s) with autosomal recessive RYR1-related conditions (PMID: 30155738). ClinVar contains an entry for this variant (Variation ID: 199203). For these reasons, this variant has been classified as Pathogenic.

Fulgent Genetics
Classification: Likely pathogenic for Central core myopathy; Malignant hyperthermia, susceptibility to, 1; Congenital myopathy 4A, autosomal dominant; Congenital multicore myopathy with external ophthalmoplegia; King Denborough syndrome. Last evaluated: 2021-11-18. Review status: criteria provided, single submitter. Criteria: ACMG Guidelines, 2015. Collection method: clinical testing. Allele origin: unknown.

PreventionGenetics, part of Exact Sciences
Classification: Likely pathogenic. Last evaluated: 2018-07-17. Review status: criteria provided, single submitter. Criteria: ACMG Guidelines, 2015. Collection method: clinical testing. Allele origin: germline.

Eurofins Ntd Llc (ga)
Classification: Pathogenic. Last evaluated: 2016-07-08. Review status: criteria provided, single submitter. Criteria: EGL Classification Definitions 2015. Collection method: clinical testing. Allele origin: germline. Observed: 2 variant alleles, 2 heterozygotes.

Literature cited by the submitters: PubMed 23919265 (cited by Labcorp Genetics (formerly Invitae), Labcorp); PubMed 25960145 (cited by Labcorp Genetics (formerly Invitae), Labcorp); PubMed 28818389 (cited by Labcorp Genetics (formerly Invitae), Labcorp); PubMed 30611313 (cited by Labcorp Genetics (formerly Invitae), Labcorp); PubMed 30155738 (cited by Labcorp Genetics (formerly Invitae), Labcorp).